The following is an entry in ClinVar:

ClinVar aggregate classification (germline): Uncertain significance (1 of 4 stars; one submission).

Conditions:
Autosomal recessive spastic paraplegia type 78. Identifiers: Orphanet 513436, MedGen C5567893, MONDO:0014975, OMIM 617225.
Kufor-Rakeb syndrome (KRS). Also called: PARKINSON DISEASE 9, AUTOSOMAL RECESSIVE, JUVENILE-ONSET. Identifiers: Orphanet 306674, Orphanet 314632, MedGen C1847640, MONDO:0011706, OMIM 606693.

Allele frequency attached by ClinVar (database versions not stated): gnomAD exomes below 0.00001.

Submission:

Labcorp Genetics (formerly Invitae), Labcorp
Classification: Uncertain significance for Kufor-Rakeb syndrome; Autosomal recessive spastic paraplegia type 78. Last evaluated: 2021-09-15. Review status: criteria provided, single submitter. Criteria: Invitae Variant Classification Sherloc (09022015). Collection method: clinical testing. Allele origin: germline.
Comment: In summary, the available evidence is currently insufficient to determine the role of this variant in disease. Therefore, it has been classified as a Variant of Uncertain Significance. Advanced modeling of protein sequence and biophysical properties (such as structural, functional, and spatial information, amino acid conservation, physicochemical variation, residue mobility, and thermodynamic stability) performed at Invitae indicates that this missense variant is not expected to disrupt ATP13A2 protein function. This variant has not been reported in the literature in individuals affected with ATP13A2-related conditions. This variant is not present in population databases (ExAC no frequency). This sequence change replaces isoleucine with valine at codon 744 of the ATP13A2 protein (p.Ile744Val). The isoleucine residue is moderately conserved and there is a small physicochemical difference between isoleucine and valine.

NM_022089.4(ATP13A2):c.2230A>G (p.Ile744Val)

Gene: ATP13A2 (ATPase cation transporting 13A2; minus strand). Cytogenetic location: 1p36.13.
Variant type: single nucleotide variant.
Coding change: c.2230A>G on transcript NM_022089.4 (MANE Select); coding-DNA position 2230, A replaced by G.
Protein change: p.Ile744Val; replaces isoleucine 744 with valine.
Molecular consequence: missense variant.
Genome position (GRCh38, 1-based): chr1:16,991,755, T>C on the plus strand (A>G on the coding strand, the complement: ATP13A2 is on the minus strand). VCF-style: chr1-16991755-T-C. GRCh37 (hg19) VCF-style: chr1-17318250-T-C.
Other names: c.2215A>G, p.Ile739Val (NM_001141973.3, NM_001141974.3); short protein forms I744V, I739V.
Identifiers: ClinVar variation 1416513 (VCV001416513.6), dbSNP rs1401459588, ClinGen allele CA338242960.